The following is an entry in ClinVar:

ClinVar aggregate classification (germline): Pathogenic. Review status: criteria provided, single submitter (1 of 4 stars). 3 submissions from 3 submitters: Pathogenic (1). 2 of the submissions do not count toward it. Last evaluated 2023-05-26.

Conditions:
Secondary microcephaly. Also called: Postnatal microcephaly. Identifiers: MedGen C0431352, HP:0005484.
Expressive language delay. Identifiers: MedGen C0454641, HP:0002474.
Global developmental delay (DD). Also called: Cognitive delay. Identifiers: MedGen C0557874, HP:0001263. Disease mechanism: loss of function.
Neurodevelopmental disorder with dysmorphic facies and distal limb anomalies. Identifiers: Orphanet 686482, MedGen C4540327, MONDO:0060596, OMIM 617755.

Submissions (3):

GeneDx
Classification: Pathogenic. Last evaluated: 2023-05-26. Review status: criteria provided, single submitter. Criteria: GeneDx Variant Classification Process June 2021. Collection method: clinical testing. Allele origin: germline. Affected: yes.
Comment: Frameshift variant predicted to result in protein truncation or nonsense mediated decay in a gene for which loss of function is a known mechanism of disease; Not observed at significant frequency in large population cohorts (gnomAD); This variant is associated with the following publications: (PMID: 28942966)

OMIM
Classification: Pathogenic for NEURODEVELOPMENTAL DISORDER WITH DYSMORPHIC FACIES AND DISTAL LIMB ANOMALIES. Last evaluated: 2017-11-07. Review status: no assertion criteria provided. Collection method: literature only. Allele origin: germline. Not counted in ClinVar's aggregate classification.

Baylor Genetics
Classification: Pathogenic for Secondary microcephaly; Expressive language delay; Global developmental delay. Last evaluated: 2017-07-03. Review status: no assertion criteria provided. Collection method: clinical testing. Allele origin: germline. Inheritance: Autosomal dominant inheritance. Affected: yes. Observed: 1 variant allele, 1 heterozygote. Study: BPTF_variants. Not counted in ClinVar's aggregate classification.

Literature cited by the submitters: PubMed 28942966 (cited by OMIM and Baylor Genetics).

NM_182641.4(BPTF):c.4838_4839del (p.Val1613fs)

Gene: BPTF (bromodomain PHD finger transcription factor; plus strand). Cytogenetic location: 17q24.2.
Variant type: Microsatellite.
Coding change: c.4838_4839del on transcript NM_182641.4 (MANE Select); coding-DNA positions 4838 to 4839, 2 bases deleted (TG; older notation c.4838_4839delTG).
Protein change: p.Val1613fs; shifts the reading frame from valine 1613.
Molecular consequence: frameshift variant.
Genome position (GRCh38, 1-based): chr17:67,912,722-67,912,723, TG deleted; deleting any 2 consecutive bases within chr17:67,912,720-67,912,723 gives the same sequence; the c. name uses the placement nearest the transcript's 3' end. VCF-style (leftmost placement, unchanged base first): chr17-67912719-CTG-C. GRCh37 (hg19) VCF-style: chr17-65908835-CTG-C.
Other names: c.5216_5217del, p.Val1739fs (NM_004459.7); short protein forms V1739fs, V1613fs.
Identifiers: ClinVar variation 431065 (VCV000431065.3), dbSNP rs1555652383, ClinGen allele CA658653844.